The following is an entry in ClinVar:

NM_198271.5(LMOD3):c.1397G>A (p.Ser466Asn)

Gene: LMOD3 (leiomodin 3; minus strand). Cytogenetic location: 3p14.1.
Variant type: single nucleotide variant.
Coding change: c.1397G>A on transcript NM_198271.5 (MANE Select); coding-DNA position 1397, G replaced by A.
Protein change: p.Ser466Asn; replaces serine 466 with asparagine.
Molecular consequence: missense variant.
Genome position (GRCh38, 1-based): chr3:69,118,958, C>T on the plus strand (G>A on the coding strand, the complement: LMOD3 is on the minus strand). VCF-style: chr3-69118958-C-T. GRCh37 (hg19) VCF-style: chr3-69168109-C-T.
Other names: c.1397G>A, p.Ser466Asn (NM_001304418.3); short protein forms S466N.
Identifiers: ClinVar variation 1383716 (VCV001383716.9), dbSNP rs768340380, ClinGen allele CA2488791.

ClinVar aggregate classification (germline): Uncertain significance. Review status: criteria provided, multiple submitters, no conflicts (2 of 4 stars). 2 submissions from 2 submitters: Uncertain significance (2). Last evaluated 2026-03-01.

Conditions:
Nemaline myopathy 10 (NEM10). Identifiers: MedGen C4015360, MONDO:0014513, OMIM 616165.

Allele frequency attached by ClinVar (database versions not stated): TOPMed below 0.00001; gnomAD 0.00001; gnomAD exomes 0.00001; ExAC 0.00002.

Submissions (2):

CeGaT Center for Human Genetics Tuebingen
Classification: Uncertain significance. Last evaluated: 2026-03-01. Review status: criteria provided, single submitter. Criteria: CeGaT Center For Human Genetics Tuebingen Variant Classification Criteria Version 2. Collection method: clinical testing. Allele origin: germline. Affected: yes. Observed: 1 variant allele.
Comment: LMOD3: PM2, BP4

Labcorp Genetics (formerly Invitae), Labcorp
Classification: Uncertain significance for Nemaline myopathy 10. Last evaluated: 2022-06-27. Review status: criteria provided, single submitter. Criteria: Invitae Variant Classification Sherloc (09022015). Collection method: clinical testing. Allele origin: germline.
Comment: This sequence change replaces serine, which is neutral and polar, with asparagine, which is neutral and polar, at codon 466 of the LMOD3 protein (p.Ser466Asn). This variant is present in population databases (rs768340380, gnomAD 0.002%). This variant has not been reported in the literature in individuals affected with LMOD3-related conditions. Algorithms developed to predict the effect of missense changes on protein structure and function output the following: SIFT: "Tolerated"; PolyPhen-2: "Benign"; Align-GVGD: "Class C0". The asparagine amino acid residue is found in multiple mammalian species, which suggests that this missense change does not adversely affect protein function. In summary, the available evidence is currently insufficient to determine the role of this variant in disease. Therefore, it has been classified as a Variant of Uncertain Significance.